The following is an entry in ClinVar:

ClinVar aggregate classification (germline): Uncertain significance (1 of 4 stars; one submission).

Allele frequency attached by ClinVar (database versions not stated): gnomAD 0.00001.
gnomAD v4.1: 2 of 1,614,052 alleles (0.00012%); highest among the groups gnomAD compares: African/African-American, 0.0027%; no homozygotes.

Submission:

Women's Health and Genetics/Laboratory Corporation of America, LabCorp
Classification: Uncertain significance. Last evaluated: 2024-04-01. Review status: criteria provided, single submitter. Criteria: LabCorp Variant Classification Summary - May 2015. Collection method: clinical testing. Allele origin: germline.
Comment: Variant summary: ARSB c.455G>T (p.Arg152Leu) results in a non-conservative amino acid change located in the Sulfatase, N-terminal domain (IPR000917) of the encoded protein sequence. Three of five in-silico tools predict a damaging effect of the variant on protein function. The variant was absent in 251464 control chromosomes (gnomAD). To our knowledge, no occurrence of c.455G>T in individuals affected with Mucopolysaccharidosis Type VI (Maroteaux-Lamy Syndrome) and no experimental evidence demonstrating its impact on protein function have been reported. Another missense change affecting this amino acid (p.Arg152Trp) has been determined to be pathogenic, suggesting this may be a functionally important residue. No submitters have cited clinical-significance assessments for this variant to ClinVar. Based on the evidence outlined above, the variant was classified as VUS-possibly pathogenic.

NM_000046.5(ARSB):c.455G>T (p.Arg152Leu)

Gene: ARSB (arylsulfatase B; minus strand). Cytogenetic location: 5q14.1.
Variant type: single nucleotide variant.
Coding change: c.455G>T on transcript NM_000046.5 (MANE Select); coding-DNA position 455, G replaced by T.
Protein change: p.Arg152Leu; replaces arginine 152 with leucine.
Molecular consequence: missense variant.
Genome position (GRCh38, 1-based): chr5:78,969,050, C>A on the plus strand (G>T on the coding strand, the complement: ARSB is on the minus strand). VCF-style: chr5-78969050-C-A. GRCh37 (hg19) VCF-style: chr5-78264873-C-A.
Other names: c.455G>T, p.Arg152Leu (NM_198709.3); short protein forms R152L.
Identifiers: ClinVar variation 3251619 (VCV003251619.1), dbSNP rs776814144.